The following is an entry in ClinVar:

NM_005321.3(H1-4):c.436_458del (p.Thr146fs)

Gene: H1-4 (H1.4 linker histone, cluster member; plus strand). Cytogenetic location: 6p22.2.
Variant type: Deletion.
Coding change: c.436_458del on transcript NM_005321.3 (MANE Select); coding-DNA positions 436 to 458, 23 bases deleted (ACCCCCAAGAAGAGCGCCAAGAA).
Protein change: p.Thr146fs; shifts the reading frame from threonine 146.
Molecular consequence: frameshift variant.
Genome position (GRCh38, 1-based): chr6:26,156,826-26,156,848, ACCCCCAAGAAGAGCGCCAAGAA deleted. VCF-style (leftmost placement, unchanged base first): chr6-26156825-CACCCCCAAGAAGAGCGCCAAGAA-C. GRCh37 (hg19) VCF-style: chr6-26157053-CACCCCCAAGAAGAGCGCCAAGAA-C.
Other names: c.436_458del23 (NM_005321.2); short protein forms T146fs.
Identifiers: ClinVar variation 428607 (VCV000428607.6), dbSNP rs1131690807, ClinGen allele CA645369390.
Genomic context (GRCh38, chr6:26,156,825, plus strand): 5'-GGCCAAGGCCAAGAAGCCAGCAGGAGCGGCGAAGAAGCCCAAGAAGGCGACGGGGGCGGC[CACCCCCAAGAAGAGCGCCAAGAA>C]GACCCCAAAGAAGGCGAAGAAGCCGGCTGCAGCTGCTGGAGCCAAAAAAGCGAAAAGCCC-3'

ClinVar aggregate classification (germline): Pathogenic. Review status: criteria provided, multiple submitters, no conflicts (2 of 4 stars). 4 submissions from 4 submitters: Pathogenic (2). 2 of the submissions do not count toward it. Last evaluated 2023-04-20.

Conditions:
HIST1H1E-related disorders.
Rahman syndrome. Also called: HIST1H1E Syndrome. Identifiers: Orphanet 642763, MedGen C4479637, MONDO:0044323, OMIM 617537.

Submissions (4):

GeneDx
Classification: Pathogenic. Last evaluated: 2023-04-20. Review status: criteria provided, single submitter. Criteria: GeneDx Variant Classification Process June 2021. Collection method: clinical testing. Allele origin: germline. Affected: yes.
Comment: Not observed at significant frequency in large population cohorts (gnomAD); Frameshift variant predicted to result in protein truncation, as the last 74 amino acids are replaced with 41 different amino acids; This variant is associated with the following publications: (PMID: 28475857, 32109418, 31910894, 29704315, 33270410)

Blueprint Genetics
Classification: Pathogenic for HIST1H1E-related disorders. Last evaluated: 2020-04-06. Review status: criteria provided, single submitter. Criteria: ACMG Guidelines, 2015. Collection method: clinical testing. Allele origin: de novo. Affected: yes. Observed: 1 variant allele.

OMIM
Classification: Pathogenic for RAHMAN SYNDROME. Last evaluated: 2017-06-27. Review status: no assertion criteria provided. Collection method: literature only. Allele origin: germline. Not counted in ClinVar's aggregate classification.

GeneReviews
No classification provided. Condition: Rahman syndrome. Review status: no classification provided. Collection method: literature only. Allele origin: de novo. Not counted in ClinVar's aggregate classification.

Literature cited by the submitters: PubMed 28475857 (cited by OMIM); NCBI Bookshelf NBK564966 (cited by GeneReviews); PubMed 33270410 (cited by GeneReviews).